The following is an entry in ClinVar:

NM_000051.4(ATM):c.6920T>C (p.Leu2307Pro)

Genes: ATM (ATM serine/threonine kinase; plus strand), C11orf65 (chromosome 11 open reading frame 65; minus strand). Cytogenetic location: 11q22.3.
Variant type: single nucleotide variant.
Coding change: c.6920T>C on transcript NM_000051.4 (MANE Select); coding-DNA position 6920, T replaced by C.
Protein change: p.Leu2307Pro; replaces leucine 2307 with proline.
Molecular consequence: missense variant. On other transcripts: intron variant (2).
Genome position (GRCh38, 1-based): chr11:108,326,170, T>C. VCF-style: chr11-108326170-T-C. GRCh37 (hg19) VCF-style: chr11-108196897-T-C.
Other names: c.6920T>C, p.Leu2307Pro (NM_001351834.2); c.641-17099A>G (NM_001330368.2); c.*38+9050A>G (NM_001351110.2); short protein forms L2307P.
Identifiers: ClinVar variation 3640126 (VCV003640126.2).

ClinVar aggregate classification (germline): Uncertain significance (1 of 4 stars; one submission).

Conditions:
Ataxia-telangiectasia syndrome (AT). Also called: Ataxia-telangiectasia, complementation group D; AT, COMPLEMENTATION GROUP C; ATAXIA-TELANGIECTASIA, COMPLEMENTATION GROUP A; ATAXIA-TELANGIECTASIA, FRESNO VARIANT; Ataxia-telangiectasia; Ataxia-telangiectasia, complementation group E. Identifiers: Orphanet 100, MedGen C0004135, MONDO:0008840, OMIM 208900.

gnomAD v4.1: 1 of 1,614,170 alleles (0.000062%); highest among the groups gnomAD compares: Non-Finnish European, 0.000085%; no homozygotes.

Submission:

Labcorp Genetics (formerly Invitae), Labcorp
Classification: Uncertain significance for Ataxia-telangiectasia syndrome. Last evaluated: 2024-02-11. Review status: criteria provided, single submitter. Criteria: Invitae Variant Classification Sherloc (09022015). Collection method: clinical testing. Allele origin: germline.
Comment: This sequence change replaces leucine, which is neutral and non-polar, with proline, which is neutral and non-polar, at codon 2307 of the ATM protein (p.Leu2307Pro). This variant is not present in population databases (gnomAD no frequency). This variant has not been reported in the literature in individuals affected with ATM-related conditions. An algorithm developed to predict the effect of missense changes on protein structure and function (PolyPhen-2) suggests that this variant is likely to be disruptive. In summary, the available evidence is currently insufficient to determine the role of this variant in disease. Therefore, it has been classified as a Variant of Uncertain Significance.